The following is an entry in ClinVar:

NM_025137.4(SPG11):c.4575A>T (p.Arg1525Ser)

Gene: SPG11 (SPG11 vesicle trafficking associated, spatacsin; minus strand). Cytogenetic location: 15q21.1.
Variant type: single nucleotide variant.
Coding change: c.4575A>T on transcript NM_025137.4 (MANE Select); coding-DNA position 4575, A replaced by T.
Protein change: p.Arg1525Ser; replaces arginine 1525 with serine.
Molecular consequence: missense variant.
Genome position (GRCh38, 1-based): chr15:44,595,319, T>A on the plus strand (A>T on the coding strand, the complement: SPG11 is on the minus strand). VCF-style: chr15-44595319-T-A. GRCh37 (hg19) VCF-style: chr15-44887517-T-A.
Other names: c.4575A>T, p.Arg1525Ser (NM_001160227.2, NM_001411132.1); short protein forms R1525S.
Identifiers: ClinVar variation 5037332 (VCV005037332.1).

ClinVar aggregate classification (germline): Uncertain significance (1 of 4 stars; one submission).

Submission:

GeneDx
Classification: Uncertain significance. Last evaluated: 2026-04-16. Review status: criteria provided, single submitter. Criteria: GeneDx Variant Classification Process June 2021. Collection method: clinical testing. Allele origin: germline.
Comment: Not observed at significant frequency in large population cohorts (gnomAD); In silico analysis suggests that this missense variant does not alter protein structure/function; Has not been previously published as pathogenic or benign to our knowledge